The following is an entry in ClinVar:

ClinVar aggregate classification (germline): Uncertain significance (1 of 4 stars; one submission).

Conditions:
Hereditary cancer-predisposing syndrome. Also called: Hereditary neoplastic syndrome; Neoplastic Syndromes, Hereditary; Tumor predisposition; Hereditary Cancer Syndrome. Identifiers: Orphanet 140162, MedGen C0027672, MeSH D009386, MONDO:0015356.

Submission:

Ambry Genetics
Classification: Uncertain significance for Hereditary cancer-predisposing syndrome. Last evaluated: 2025-08-09. Review status: criteria provided, single submitter. Criteria: Ambry Variant Classification Scheme 2023. Collection method: clinical testing. Allele origin: germline.
Comment: The p.I101F variant (also known as c.301A>T), located in coding exon 2 of the PHOX2B gene, results from an A to T substitution at nucleotide position 301. The isoleucine at codon 101 is replaced by phenylalanine, an amino acid with highly similar properties. This amino acid position is conserved. In addition, the in silico prediction for this alteration is inconclusive. Based on the available evidence, the clinical significance of this variant remains unclear.

NM_003924.4(PHOX2B):c.301A>T (p.Ile101Phe)

Gene: PHOX2B (paired like homeobox 2B; minus strand). Cytogenetic location: 4p13.
Variant type: single nucleotide variant.
Coding change: c.301A>T on transcript NM_003924.4 (MANE Select); coding-DNA position 301, A replaced by T.
Protein change: p.Ile101Phe; replaces isoleucine 101 with phenylalanine.
Molecular consequence: missense variant.
Genome position (GRCh38, 1-based): chr4:41,747,477, T>A on the plus strand (A>T on the coding strand, the complement: PHOX2B is on the minus strand). VCF-style: chr4-41747477-T-A. GRCh37 (hg19) VCF-style: chr4-41749494-T-A.
Other names: short protein forms I101F.
Identifiers: ClinVar variation 4136089 (VCV004136089.1).